The following is an entry in ClinVar:

ClinVar aggregate classification (germline): Uncertain significance. Review status: criteria provided, multiple submitters, no conflicts (2 of 4 stars). 2 submissions from 2 submitters: Uncertain significance (2). Last evaluated 2024-06-11.

Conditions:
Cardiomyopathy (CMYO). Also called: Cardiomyopathies. Identifiers: Orphanet 167848, MedGen C0878544, MONDO:0004994, HP:0001638. Inheritance: Various modes of inheritance.
Catecholaminergic polymorphic ventricular tachycardia (CVPT). Also called: Catecholamine-induced polymorphic ventricular tachycardia. Identifiers: Orphanet 3286, MedGen C5574922, MONDO:0017990.

Allele frequency attached by ClinVar (database versions not stated): gnomAD exomes below 0.00001; ExAC 0.00002.
gnomAD v4.1: 2 of 1,613,990 alleles (0.00012%); highest among the groups gnomAD compares: Non-Finnish European, 0.000085%; no homozygotes.

Submissions (2):

All of Us Research Program, National Institutes of Health
Classification: Uncertain significance for Catecholaminergic polymorphic ventricular tachycardia. Last evaluated: 2024-06-11. Review status: criteria provided, single submitter. Criteria: ACMG Guidelines, 2015. Collection method: clinical testing. Allele origin: germline. Inheritance: Autosomal dominant inheritance. Observed: 2 variant alleles, 2 heterozygotes.
Comment: Variant of Uncertain Significance due to insufficient evidence: This missense variant is located in the cytoplasmic domain of the RYR2 protein. Computational prediction tools and conservation analyses are inconclusive regarding the impact of this variant on the protein function. Computational splicing tools suggest that this variant may not impact RNA splicing. To our knowledge, functional assays have not been performed for this variant nor has this variant been reported in individuals affected with cardiovascular disorders in the literature. This variant is rare in the general population and has been identified in 0/277264 chromosomes by the Genome Aggregation Database (gnomAD). Available evidence is insufficient to determine the role of this variant in disease conclusively.

This study involves interpretation of variants in research participants for the purpose of population health screening. Participant phenotype was not available at the time of variant classification. Additional details can be found in publication PMID: 35346344, PMCID: PMC8962531

Color Diagnostics, LLC DBA Color Health
Classification: Uncertain significance for Cardiomyopathy. Last evaluated: 2023-05-10. Review status: criteria provided, single submitter. Criteria: ACMG Guidelines, 2015. Collection method: clinical testing. Allele origin: germline.
Comment: This variant is located in the RYR2 protein. Computational prediction is inconclusive regarding the impact of this variant on protein structure and function (internally defined REVEL score threshold 0.5 < inconclusive < 0.7, PMID: 27666373). To our knowledge, functional studies have not been reported for this variant. This variant has not been reported in individuals affected with RYR2-related disorders in the literature. This variant has been identified in 1/248786 chromosomes in the general population by the Genome Aggregation Database (gnomAD). The available evidence is insufficient to determine the role of this variant in disease conclusively. Therefore, this variant is classified as a Variant of Uncertain Significance.

NM_001035.3(RYR2):c.12373G>A (p.Val4125Ile)

Gene: RYR2 (ryanodine receptor 2; plus strand). Cytogenetic location: 1q43.
Variant type: single nucleotide variant.
Coding change: c.12373G>A on transcript NM_001035.3 (MANE Select); coding-DNA position 12373, G replaced by A.
Protein change: p.Val4125Ile; replaces valine 4125 with isoleucine.
Molecular consequence: missense variant.
Genome position (GRCh38, 1-based): chr1:237,784,085, G>A. VCF-style: chr1-237784085-G-A. GRCh37 (hg19) VCF-style: chr1-237947385-G-A.
Other names: short protein forms V4125I.
Identifiers: ClinVar variation 920586 (VCV000920586.7), dbSNP rs775417996, ClinGen allele CA085176.
Genomic context (GRCh38, chr1:237,784,085, plus strand): 5'-CTCTCTGAGCACATGCCCAACGATACCCGACTTCAGACTTTTCTGGAATTAGCAGAGAGC[G>A]TCCTGAATTATTTCCAGCCCTTTCTGGGCCGCATCGAAATCATGGGAAGCGCCAAACGCA-3'
Protein context (NP_001026.2, residues 4115-4135): LQTFLELAES[Val4125Ile]LNYFQPFLGR